The following is an entry in ClinVar:

ClinVar aggregate classification (germline): Uncertain significance. Review status: criteria provided, multiple submitters, no conflicts (2 of 4 stars). 2 submissions from 2 submitters: Uncertain significance (2). Last evaluated 2025-05-07.

Submissions (2):

GeneDx
Classification: Uncertain significance. Last evaluated: 2025-05-07. Review status: criteria provided, single submitter. Criteria: GeneDx Variant Classification Process June 2021. Collection method: clinical testing. Allele origin: germline. Affected: yes.
Comment: Not observed at significant frequency in large population cohorts (gnomAD); Frameshift variant predicted to result in protein truncation or nonsense mediated decay in a gene or region of a gene for which loss of function is not a well-established mechanism of disease; Has not been previously published as pathogenic or benign to our knowledge

Labcorp Genetics (formerly Invitae), Labcorp
Classification: Uncertain significance. Last evaluated: 2024-09-29. Review status: criteria provided, single submitter. Criteria: Invitae Variant Classification Sherloc (09022015). Collection method: clinical testing. Allele origin: germline.
Comment: This sequence change creates a premature translational stop signal (p.Ala32Glufs*109) in the FOXI3 gene. It is expected to result in an absent or disrupted protein product. However, the current clinical and genetic evidence is not sufficient to establish whether loss-of-function variants in FOXI3 cause disease. The frequency data for this variant in the population databases is considered unreliable, as metrics indicate insufficient coverage at this position in the gnomAD database. This variant has not been reported in the literature in individuals affected with FOXI3-related conditions. In summary, the available evidence is currently insufficient to determine the role of this variant in disease. Therefore, it has been classified as a Variant of Uncertain Significance.

NM_001135649.3(FOXI3):c.95del (p.Ala32fs)

Gene: FOXI3 (forkhead box I3; minus strand). Cytogenetic location: 2p11.2.
Variant type: Deletion.
Coding change: c.95del on transcript NM_001135649.3 (MANE Select); coding-DNA position 95, one base deleted (C; older notation c.95delC).
Protein change: p.Ala32fs; shifts the reading frame from alanine 32.
Molecular consequence: frameshift variant.
Genome position (GRCh38, 1-based): chr2:88,452,441, G deleted on the plus strand (C on the coding strand, the reverse complement: FOXI3 is on the minus strand). VCF-style (leftmost placement, unchanged base first): chr2-88452440-TG-T. GRCh37 (hg19) VCF-style: chr2-88751958-TG-T.
Other names: c.95del (NM_001135649.1); short protein forms A32fs.
Identifiers: ClinVar variation 3721789 (VCV003721789.3).